The following is an entry in ClinVar:

NM_004722.4(AP4M1):c.1120C>T (p.Leu374Phe)

Gene: AP4M1 (adaptor related protein complex 4 subunit mu 1; plus strand). Cytogenetic location: 7q22.1.
Variant type: single nucleotide variant.
Coding change: c.1120C>T on transcript NM_004722.4 (MANE Select); coding-DNA position 1120, C replaced by T.
Protein change: p.Leu374Phe; replaces leucine 374 with phenylalanine.
Molecular consequence: missense variant.
Genome position (GRCh38, 1-based): chr7:100,106,497, C>T. VCF-style: chr7-100106497-C-T. GRCh37 (hg19) VCF-style: chr7-99704120-C-T.
Other names: c.1141C>T, p.Leu381Phe (NM_001363671.2); short protein forms L381F, L374F.
Identifiers: ClinVar variation 1470406 (VCV001470406.7), dbSNP rs747834855, ClinGen allele CA4374976.

ClinVar aggregate classification (germline): Uncertain significance (1 of 4 stars; one submission).

Conditions:
Hereditary spastic paraplegia 50 (SPG50). Also called: Spastic paraplegia 50, autosomal recessive. Identifiers: Orphanet 280763, MedGen C2752008, MONDO:0013048, OMIM 612936.

Allele frequency attached by ClinVar (database versions not stated): gnomAD exomes below 0.00001 and 0.00001; TOPMed below 0.00001; ExAC 0.00001.
gnomAD v4.1: 4 of 1,613,562 alleles (0.00025%); highest among the groups gnomAD compares: East Asian, 0.0045%; no homozygotes.

Submission:

Labcorp Genetics (formerly Invitae), Labcorp
Classification: Uncertain significance for Hereditary spastic paraplegia 50. Last evaluated: 2024-01-02. Review status: criteria provided, single submitter. Criteria: Invitae Variant Classification Sherloc (09022015). Collection method: clinical testing. Allele origin: germline.
Comment: This sequence change replaces leucine, which is neutral and non-polar, with phenylalanine, which is neutral and non-polar, at codon 374 of the AP4M1 protein (p.Leu374Phe). This variant is present in population databases (rs747834855, gnomAD 0.003%). This variant has not been reported in the literature in individuals affected with AP4M1-related conditions. ClinVar contains an entry for this variant (Variation ID: 1470406). Advanced modeling of protein sequence and biophysical properties (such as structural, functional, and spatial information, amino acid conservation, physicochemical variation, residue mobility, and thermodynamic stability) performed at Invitae indicates that this missense variant is not expected to disrupt AP4M1 protein function with a negative predictive value of 80%. In summary, the available evidence is currently insufficient to determine the role of this variant in disease. Therefore, it has been classified as a Variant of Uncertain Significance.